The following is an entry in ClinVar:

NM_000384.3(APOB):c.13252C>A (p.Leu4418Ile)

Gene: APOB (apolipoprotein B; minus strand). Cytogenetic location: 2p24.1.
Variant type: single nucleotide variant.
Coding change: c.13252C>A on transcript NM_000384.3 (MANE Select); coding-DNA position 13252, C replaced by A.
Protein change: p.Leu4418Ile; replaces leucine 4418 with isoleucine.
Molecular consequence: missense variant.
Genome position (GRCh38, 1-based): chr2:21,002,170, G>T on the plus strand (C>A on the coding strand, the complement: APOB is on the minus strand). VCF-style: chr2-21002170-G-T. GRCh37 (hg19) VCF-style: chr2-21225042-G-T.
Other names: short protein forms L4418I.
Identifiers: ClinVar variation 4613636 (VCV004613636.1).

ClinVar aggregate classification (germline): Uncertain significance (1 of 4 stars; one submission).

Conditions:
Cardiovascular phenotype. Identifiers: MedGen CN230736.

Submission:

Ambry Genetics
Classification: Uncertain significance for Cardiovascular phenotype. Last evaluated: 2025-09-17. Review status: criteria provided, single submitter. Criteria: Ambry Variant Classification Scheme 2023. Collection method: clinical testing. Allele origin: germline.
Comment: The p.L4418I variant (also known as c.13252C>A), located in coding exon 29 of the APOB gene, results from a C to A substitution at nucleotide position 13252. The leucine at codon 4418 is replaced by isoleucine, an amino acid with highly similar properties. This amino acid position is conserved. In addition, this alteration is predicted to be tolerated by in silico analysis. Based on the available evidence, the clinical significance of this variant remains unclear.